The following is an entry in ClinVar:

NM_006231.4(POLE):c.983A>T (p.Tyr328Phe)

Gene: POLE (DNA polymerase epsilon, catalytic subunit; minus strand). Cytogenetic location: 12q24.33.
Variant type: single nucleotide variant.
Coding change: c.983A>T on transcript NM_006231.4 (MANE Select); coding-DNA position 983, A replaced by T.
Protein change: p.Tyr328Phe; replaces tyrosine 328 with phenylalanine.
Molecular consequence: missense variant.
Genome position (GRCh38, 1-based): chr12:132,676,131, T>A on the plus strand (A>T on the coding strand, the complement: POLE is on the minus strand). VCF-style: chr12-132676131-T-A. GRCh37 (hg19) VCF-style: chr12-133252717-T-A.
Other names: c.983A>T (NM_006231.2); short protein forms Y328F.
Identifiers: ClinVar variation 540673 (VCV000540673.14), dbSNP rs1339375099, ClinGen allele CA387363625.

ClinVar aggregate classification (germline): Conflicting classifications of pathogenicity. Review status: criteria provided, conflicting classifications (1 of 4 stars). 4 submissions from 4 submitters: Uncertain significance (3); Likely benign (1). Last evaluated 2025-12-04.

Conditions:
Colorectal cancer, susceptibility to, 12 (CRCS12). Also called: COLORECTAL CANCER, SUSCEPTIBILITY TO, ON CHROMOSOME 12q24. Identifiers: Orphanet 220460, MedGen C3554460, MONDO:0014038, OMIM 615083.
Hereditary cancer-predisposing syndrome. Also called: Neoplastic Syndromes, Hereditary; Hereditary Cancer Syndrome; Tumor predisposition; Hereditary neoplastic syndrome. Identifiers: Orphanet 140162, MedGen C0027672, MeSH D009386, MONDO:0015356.

Submissions (4):

Ambry Genetics
Classification: Likely benign for Hereditary cancer-predisposing syndrome. Last evaluated: 2025-12-04. Review status: criteria provided, single submitter. Criteria: Ambry Variant Classification Scheme 2023. Collection method: clinical testing. Allele origin: germline.

Dasa
Classification: Uncertain significance. Last evaluated: 2025-01-28. Review status: criteria provided, single submitter. Criteria: DASA Assertion Criteria. Collection method: clinical testing. Allele origin: germline.
Comment: NM_006231.4(POLE):c.983A>T (p.Tyr328Phe) is a missense variant that results in the substitution of tyrosine with phenylalanine. This variant is absent from population databases. Computational prediction algorithms are consistent with a benign effect. The currently available literature and clinical evidence are not sufficient to establish a definitive association between this variant and the reported condition. Therefore, this variant is classified as a variant of uncertain significance.

Baylor Genetics
Classification: Uncertain significance for Colorectal cancer, susceptibility to, 12. Last evaluated: 2023-08-09. Review status: criteria provided, single submitter. Criteria: ACMG Guidelines, 2015. Collection method: clinical testing. Allele origin: unknown.

Labcorp Genetics (formerly Invitae), Labcorp
Classification: Uncertain significance. Last evaluated: 2017-09-27. Review status: criteria provided, single submitter. Criteria: Invitae Variant Classification Sherloc (09022015). Collection method: clinical testing. Allele origin: germline.
Comment: This sequence change replaces tyrosine with phenylalanine at codon 328 of the POLE protein (p.Tyr328Phe). The tyrosine residue is highly conserved and there is a small physicochemical difference between tyrosine and phenylalanine. In summary, the available evidence is currently insufficient to determine the role of this variant in disease. Therefore, it has been classified as a Variant of Uncertain Significance. Algorithms developed to predict the effect of missense changes on protein structure and function (SIFT, PolyPhen-2, Align-GVGD) all suggest that this variant is likely to be tolerated, but these predictions have not been confirmed by published functional studies and their clinical significance is uncertain. This variant has not been reported in the literature in individuals with POLE-related disease. This variant is not present in population databases (ExAC no frequency).